The following is an entry in ClinVar:

NM_007118.4(TRIO):c.1981C>T (p.Arg661Trp)

Gene: TRIO (trio Rho guanine nucleotide exchange factor; plus strand). Cytogenetic location: 5p15.2.
Variant type: single nucleotide variant.
Coding change: c.1981C>T on transcript NM_007118.4 (MANE Select); coding-DNA position 1981, C replaced by T.
Protein change: p.Arg661Trp; replaces arginine 661 with tryptophan.
Molecular consequence: missense variant. On other transcripts: non-coding transcript variant (1).
Genome position (GRCh38, 1-based): chr5:14,336,662, C>T. VCF-style: chr5-14336662-C-T. GRCh37 (hg19) VCF-style: chr5-14336771-C-T.
Other names: short protein forms R661W.
Identifiers: ClinVar variation 1308395 (VCV001308395.2), dbSNP rs986707175, ClinGen allele CA113944807.

ClinVar aggregate classification (germline): Uncertain significance (1 of 4 stars; one submission).

Allele frequency attached by ClinVar (database versions not stated): gnomAD exomes below 0.00001; TOPMed 0.00001.
gnomAD v4.1: 3 of 1,614,182 alleles (0.00019%); highest among the groups gnomAD compares: Non-Finnish European, 0.00025%; no homozygotes.

Submission:

GeneDx
Classification: Uncertain significance. Last evaluated: 2019-04-01. Review status: criteria provided, single submitter. Criteria: GeneDx Variant Classification Process June 2021. Collection method: clinical testing. Allele origin: germline. Affected: yes.
Comment: Not observed in large population cohorts (Lek et al., 2016); In silico analysis, which includes protein predictors and evolutionary conservation, supports a deleterious effect; Has not been previously published as pathogenic or benign to our knowledge; This variant is associated with the following publications: (PMID: 28191889)